The following is an entry in ClinVar:

ClinVar aggregate classification (germline): Uncertain significance (1 of 4 stars; one submission).

Submission:

GeneDx
Classification: Uncertain significance. Last evaluated: 2024-10-03. Review status: criteria provided, single submitter. Criteria: GeneDx Variant Classification Process June 2021. Collection method: clinical testing. Allele origin: germline. Affected: yes.
Comment: Not observed at significant frequency in large population cohorts (gnomAD); In silico analysis supports that this missense variant has a deleterious effect on protein structure/function; Has not been previously published as pathogenic or benign to our knowledge

NM_021614.4(KCNN2):c.1234A>G (p.Asn412Asp)

Gene: KCNN2 (potassium calcium-activated channel subfamily N member 2; plus strand). Cytogenetic location: 5q22.3.
Variant type: single nucleotide variant.
Coding change: c.1234A>G on transcript NM_021614.4 (MANE Select); coding-DNA position 1234, A replaced by G.
Protein change: p.Asn412Asp; replaces asparagine 412 with aspartic acid.
Molecular consequence: missense variant.
Genome position (GRCh38, 1-based): chr5:114,404,453, A>G. VCF-style: chr5-114404453-A-G. GRCh37 (hg19) VCF-style: chr5-113740150-A-G.
Other names: c.1432A>G, p.Asn478Asp (NM_001372233.1); short protein forms N412D, N478D.
Identifiers: ClinVar variation 3776708 (VCV003776708.1).